The following is an entry in ClinVar:

NM_024757.5(EHMT1):c.2382+1781C>T

Genes: EHMT1 (euchromatic histone lysine methyltransferase 1; plus strand), LOC651337 (uncharacterized LOC651337; minus strand). Cytogenetic location: 9q34.3.
Variant type: single nucleotide variant.
Coding change: c.2382+1781C>T on transcript NM_024757.5 (MANE Select); 1781 bases into the intron after coding-DNA position 2382, C replaced by T.
Molecular consequence: intron variant. On other transcripts: non-coding transcript variant (1), 3 prime UTR variant (1).
Genome position (GRCh38, 1-based): chr9:137,784,178, C>T. VCF-style: chr9-137784178-C-T. GRCh37 (hg19) VCF-style: chr9-140678630-C-T.
Other names: c.*28C>T (NM_001145527.2); c.2361+1781C>T (NM_001354263.2); c.2289+1781C>T (NM_001354259.2).
Identifiers: ClinVar variation 1269704 (VCV001269704.25), dbSNP rs371572212, ClinGen allele CA5374927.
Genomic context (GRCh38, chr9:137,784,178, plus strand): 5'-GGAAGCCCAAGGTCGAGGGGCTGCCTTTGGTGACTTATGGTGAGGACCTCGTGCTGTTCC[C>T]GAACACAGCCAGGAACCACGCCAAGAGGAAGATGCTCCAGCACAGCCTTGCTGTGGACCA-3'

ClinVar aggregate classification (germline): Benign/Likely benign. Review status: criteria provided, multiple submitters, no conflicts (2 of 4 stars). 2 submissions from 2 submitters: Benign (1); Likely benign (1). Last evaluated 2026-07-01.

Allele frequency attached by ClinVar (database versions not stated): gnomAD exomes 0.00030 and 0.00062; ExAC 0.00107; ESP Exome Variant Server 0.00131; gnomAD 0.00179 and 0.00188; 1000 Genomes Project 30x 0.00187; TOPMed 0.00188; 1000 Genomes Project 0.00220.
gnomAD v4.1: 737 of 1,551,154 alleles (0.048%); highest among the groups gnomAD compares: African/African-American, 0.58%; 1 homozygote.

Submissions (2):

CeGaT Center for Human Genetics Tuebingen
Classification: Likely benign. Last evaluated: 2026-07-01. Review status: criteria provided, single submitter. Criteria: CeGaT Center For Human Genetics Tuebingen Variant Classification Criteria Version 2. Collection method: clinical testing. Allele origin: germline. Affected: yes. Observed: 3 variant alleles.
Comment: EHMT1: BS1

GeneDx
Classification: Benign. Last evaluated: 2020-03-19. Review status: criteria provided, single submitter. Criteria: GeneDx Variant Classification Process June 2021. Collection method: clinical testing. Allele origin: germline. Affected: yes.